The following is an entry in ClinVar:

NM_000277.3(PAH):c.614A>G (p.Glu205Gly)

Gene: PAH (phenylalanine hydroxylase; minus strand). Cytogenetic location: 12q23.2.
Variant type: single nucleotide variant.
Coding change: c.614A>G on transcript NM_000277.3 (MANE Select); coding-DNA position 614, A replaced by G.
Protein change: p.Glu205Gly; replaces glutamic acid 205 with glycine.
Molecular consequence: missense variant.
Genome position (GRCh38, 1-based): chr12:102,855,228, T>C on the plus strand (A>G on the coding strand, the complement: PAH is on the minus strand). VCF-style: chr12-102855228-T-C. GRCh37 (hg19) VCF-style: chr12-103249006-T-C.
Other names: c.614A>G, p.Glu205Gly (NM_001354304.2); short protein forms E205G.
Identifiers: ClinVar variation 1491340 (VCV001491340.6), dbSNP rs62508593, ClinGen allele CA386296709.

ClinVar aggregate classification (germline): Likely pathogenic (1 of 4 stars; one submission).

Conditions:
Phenylketonuria (PKU). Also called: OLIGOPHRENIA PHENYLPYRUVICA; Phenylketonurias; Phenylketonuria (PKU); FOLLING DISEASE. Identifiers: Orphanet 716, MedGen C0031485, MONDO:0009861, OMIM 261600. Disease mechanism: loss of function.

Submission:

Labcorp Genetics (formerly Invitae), Labcorp
Classification: Likely pathogenic for Phenylketonuria. Last evaluated: 2021-03-24. Review status: criteria provided, single submitter. Criteria: Invitae Variant Classification Sherloc (09022015). Collection method: clinical testing. Allele origin: germline.
Comment: This sequence change replaces glutamic acid with glycine at codon 205 of the PAH protein (p.Glu205Gly). The glutamic acid residue is highly conserved and there is a moderate physicochemical difference between glutamic acid and glycine. This variant is not present in population databases (ExAC no frequency). This variant has not been reported in the literature in individuals with PAH-related conditions. Advanced modeling of protein sequence and biophysical properties (such as structural, functional, and spatial information, amino acid conservation, physicochemical variation, residue mobility, and thermodynamic stability) performed at Invitae indicates that this missense variant is expected to disrupt PAH protein function. This variant disrupts the p.Glu205 amino acid residue in PAH. Other variant(s) that disrupt this residue have been determined to be pathogenic (PMID: 27121329, 11139255, 22841515). This suggests that this residue is clinically significant, and that variants that disrupt this residue are likely to be disease-causing. In summary, the currently available evidence indicates that the variant is pathogenic, but additional data are needed to prove that conclusively. Therefore, this variant has been classified as Likely Pathogenic.

Literature cited by the submitters: PubMed 27121329; PubMed 11139255; PubMed 22841515.